The following is an entry in ClinVar:

NM_021942.6(TRAPPC11):c.1530G>T (p.Lys510Asn)

Gene: TRAPPC11 (trafficking protein particle complex subunit 11; plus strand). Cytogenetic location: 4q35.1.
Variant type: single nucleotide variant.
Coding change: c.1530G>T on transcript NM_021942.6 (MANE Select); coding-DNA position 1530, G replaced by T.
Protein change: p.Lys510Asn; replaces lysine 510 with asparagine.
Molecular consequence: missense variant.
Genome position (GRCh38, 1-based): chr4:183,684,804, G>T. VCF-style: chr4-183684804-G-T. GRCh37 (hg19) VCF-style: chr4-184605957-G-T.
Other names: c.1530G>T, p.Lys510Asn (NM_199053.3); short protein forms K510N.
Identifiers: ClinVar variation 650386 (VCV000650386.11), dbSNP rs139154209, ClinGen allele CA3151947.

ClinVar aggregate classification (germline): Uncertain significance. Review status: criteria provided, multiple submitters, no conflicts (2 of 4 stars). 4 submissions from 4 submitters: Uncertain significance (4). Last evaluated 2024-04-10.

Conditions:
Autosomal recessive limb-girdle muscular dystrophy type R18 (LGMDR18). Also called: Autosomal recessive limb-girdle muscular dystrophy type 2S; Limb-girdle muscular dystrophy, type 2S; MUSCULAR DYSTROPHY, LIMB-GIRDLE, AUTOSOMAL RECESSIVE 18. Identifiers: Orphanet 369840, MedGen C4517996, MONDO:0014144, OMIM 615356.

Allele frequency attached by ClinVar (database versions not stated): TOPMed 0.00004; gnomAD 0.00006 and 0.00005; ESP Exome Variant Server 0.00023; gnomAD exomes 0.00012; ExAC 0.00020.

Submissions (4):

Revvity Omics, Revvity
Classification: Uncertain significance for Autosomal recessive limb-girdle muscular dystrophy type R18. Last evaluated: 2024-04-10. Review status: criteria provided, single submitter. Criteria: ACMG Guidelines, 2015. Collection method: clinical testing. Allele origin: germline.

GeneDx
Classification: Uncertain significance. Last evaluated: 2022-12-22. Review status: criteria provided, single submitter. Criteria: GeneDx Variant Classification Process June 2021. Collection method: clinical testing. Allele origin: germline. Affected: yes.
Comment: In silico analysis supports that this missense variant does not alter protein structure/function; Has not been previously published as pathogenic or benign to our knowledge; This variant is associated with the following publications: (PMID: 26740555, 28719003)

Labcorp Genetics (formerly Invitae), Labcorp
Classification: Uncertain significance for Autosomal recessive limb-girdle muscular dystrophy type R18. Last evaluated: 2022-10-03. Review status: criteria provided, single submitter. Criteria: Invitae Variant Classification Sherloc (09022015). Collection method: clinical testing. Allele origin: germline.
Comment: This sequence change replaces lysine, which is basic and polar, with asparagine, which is neutral and polar, at codon 510 of the TRAPPC11 protein (p.Lys510Asn). This variant is present in population databases (rs139154209, gnomAD 0.02%). This variant has not been reported in the literature in individuals affected with TRAPPC11-related conditions. ClinVar contains an entry for this variant (Variation ID: 650386). Advanced modeling of protein sequence and biophysical properties (such as structural, functional, and spatial information, amino acid conservation, physicochemical variation, residue mobility, and thermodynamic stability) performed at Invitae indicates that this missense variant is expected to disrupt TRAPPC11 protein function. Algorithms developed to predict the effect of sequence changes on RNA splicing suggest that this variant may disrupt the consensus splice site. In summary, the available evidence is currently insufficient to determine the role of this variant in disease. Therefore, it has been classified as a Variant of Uncertain Significance.

New York Genome Center
Classification: Uncertain significance for Autosomal recessive limb-girdle muscular dystrophy type R18. Last evaluated: 2021-12-10. Review status: criteria provided, single submitter. Criteria: NYGC Assertion Criteria 2020. Collection method: clinical testing. Allele origin: germline. Observed: 1 heterozygote. Study: CSER-NYCKidSeq.